The following is an entry in ClinVar:

ClinVar aggregate classification (germline): Uncertain significance. Review status: criteria provided, multiple submitters, no conflicts (2 of 4 stars). 2 submissions from 2 submitters: Uncertain significance (2). Last evaluated 2021-09-26.

Conditions:
Inborn genetic diseases. Identifiers: MedGen C0950123, MeSH D030342.

Allele frequency attached by ClinVar (database versions not stated): gnomAD 0.00001; TOPMed 0.00002.
gnomAD v4.1: 14 of 1,613,968 alleles (0.00087%); highest among the groups gnomAD compares: East Asian, 0.0045%; no homozygotes.

Submissions (2):

Labcorp Genetics (formerly Invitae), Labcorp
Classification: Uncertain significance. Last evaluated: 2021-09-26. Review status: criteria provided, single submitter. Criteria: Invitae Variant Classification Sherloc (09022015). Collection method: clinical testing. Allele origin: germline.
Comment: In summary, the available evidence is currently insufficient to determine the role of this variant in disease. Therefore, it has been classified as a Variant of Uncertain Significance. Algorithms developed to predict the effect of missense changes on protein structure and function are either unavailable or do not agree on the potential impact of this missense change (SIFT: "Not Available"; PolyPhen-2: "Benign"; Align-GVGD: "Not Available"). This variant has not been reported in the literature in individuals affected with UNC45A-related conditions. This variant is present in population databases (rs551625713, ExAC 0.006%). This sequence change replaces serine with leucine at codon 507 of the UNC45A protein (p.Ser507Leu). The serine residue is highly conserved and there is a large physicochemical difference between serine and leucine.

Ambry Genetics
Classification: Uncertain significance for Inborn genetic diseases. Last evaluated: 2021-09-17. Review status: criteria provided, single submitter. Criteria: Ambry Variant Classification Scheme 2023. Collection method: clinical testing. Allele origin: germline.

NM_018671.5(UNC45A):c.1520C>T (p.Ser507Leu)

Gene: UNC45A (unc-45 myosin chaperone A; plus strand). Cytogenetic location: 15q26.1.
Variant type: single nucleotide variant.
Coding change: c.1520C>T on transcript NM_018671.5 (MANE Select); coding-DNA position 1520, C replaced by T.
Protein change: p.Ser507Leu; replaces serine 507 with leucine.
Molecular consequence: missense variant.
Genome position (GRCh38, 1-based): chr15:90,947,815, C>T. VCF-style: chr15-90947815-C-T. GRCh37 (hg19) VCF-style: chr15-91491045-C-T.
Other names: c.1520C>T (NM_018671.3); c.1475C>T, p.Ser492Leu (NM_001039675.2, NM_001323621.2); c.1520C>T, p.Ser507Leu (NM_001323619.1); c.1085C>T, p.Ser362Leu (NM_001323620.2); short protein forms S492L, S362L, S507L.
Identifiers: ClinVar variation 1436628 (VCV001436628.7), dbSNP rs551625713, ClinGen allele CA7742946.
Genomic context (GRCh38, chr15:90,947,815, plus strand): 5'-TCCTTCCCCAGAGGCCAACTGGTCTTGCCCTCTTCCTCCAGGGACTCTGTAAGCTCGGTT[C>T]GGCTGGAGGGACTGACTTCAGCATGAAGCAGTTTGCTGAAGGCTCCACTCTCAAACTGGC-3'
Protein context (NP_061141.2, residues 497-517): RALVGLCKLG[Ser507Leu]AGGTDFSMKQ